The following is an entry in ClinVar:

ClinVar aggregate classification (germline): Uncertain significance (1 of 4 stars; one submission).

Conditions:
Hereditary cancer-predisposing syndrome. Also called: Neoplastic Syndromes, Hereditary; Tumor predisposition; Hereditary Cancer Syndrome; Hereditary neoplastic syndrome. Identifiers: Orphanet 140162, MedGen C0027672, MeSH D009386, MONDO:0015356.

Submission:

Ambry Genetics
Classification: Uncertain significance for Hereditary cancer-predisposing syndrome. Last evaluated: 2025-11-13. Review status: criteria provided, single submitter. Criteria: Ambry Variant Classification Scheme 2023. Collection method: clinical testing. Allele origin: germline.
Comment: The p.D266Y variant (also known as c.796G>T), located in coding exon 5 of the CTNNA1 gene, results from a G to T substitution at nucleotide position 796. The aspartic acid at codon 266 is replaced by tyrosine, an amino acid with highly dissimilar properties. This amino acid position is conserved. In addition, the in silico prediction for this alteration is inconclusive. Based on the available evidence, the clinical significance of this variant remains unclear.

NM_001903.5(CTNNA1):c.796G>T (p.Asp266Tyr)

Gene: CTNNA1 (catenin alpha 1; plus strand). Cytogenetic location: 5q31.2.
Variant type: single nucleotide variant.
Coding change: c.796G>T on transcript NM_001903.5 (MANE Select); coding-DNA position 796, G replaced by T.
Protein change: p.Asp266Tyr; replaces aspartic acid 266 with tyrosine.
Molecular consequence: missense variant.
Genome position (GRCh38, 1-based): chr5:138,824,737, G>T. VCF-style: chr5-138824737-G-T. GRCh37 (hg19) VCF-style: chr5-138160426-G-T.
Other names: c.796G>T, p.Asp266Tyr (NM_001290307.3, NM_001323982.2, NM_001323983.1 and 3 more transcripts); c.487G>T, p.Asp163Tyr (NM_001290309.3); c.427G>T, p.Asp143Tyr (NM_001290310.3); short protein forms D163Y, D143Y, D266Y.
Identifiers: ClinVar variation 4635534 (VCV004635534.1).